The following is an entry in ClinVar:

ClinVar aggregate classification (germline): Uncertain significance (1 of 4 stars; one submission).

Submission:

Labcorp Genetics (formerly Invitae), Labcorp
Classification: Uncertain significance. Last evaluated: 2022-05-12. Review status: criteria provided, single submitter. Criteria: Invitae Variant Classification Sherloc (09022015). Collection method: clinical testing. Allele origin: germline.
Comment: In summary, the available evidence is currently insufficient to determine the role of this variant in disease. Therefore, it has been classified as a Variant of Uncertain Significance. Algorithms developed to predict the effect of missense changes on protein structure and function are either unavailable or do not agree on the potential impact of this missense change (SIFT: "Deleterious"; PolyPhen-2: "Possibly Damaging"; Align-GVGD: "Class C0"). This variant has not been reported in the literature in individuals affected with DSCAML1-related conditions. This variant is not present in population databases (gnomAD no frequency). This sequence change replaces arginine, which is basic and polar, with proline, which is neutral and non-polar, at codon 335 of the DSCAML1 protein (p.Arg335Pro).

NM_020693.4(DSCAML1):c.824G>C (p.Arg275Pro)

Gene: DSCAML1 (DS cell adhesion molecule like 1; minus strand). Cytogenetic location: 11q23.3.
Variant type: single nucleotide variant.
Coding change: c.824G>C on transcript NM_020693.4 (MANE Select); coding-DNA position 824, G replaced by C.
Protein change: p.Arg275Pro; replaces arginine 275 with proline.
Molecular consequence: missense variant.
Genome position (GRCh38, 1-based): chr11:117,524,918, C>G on the plus strand (G>C on the coding strand, the complement: DSCAML1 is on the minus strand). VCF-style: chr11-117524918-C-G. GRCh37 (hg19) VCF-style: chr11-117395633-C-G.
Other names: c.824G>C, p.Arg275Pro (NM_001367904.1); c.416G>C, p.Arg139Pro (NM_001367905.1); short protein forms R139P, R275P.
Identifiers: ClinVar variation 1912947 (VCV001912947.5), dbSNP rs370860025, ClinGen allele CA382749465.